The following continues an entry in ClinVar:

NM_024675.4(PALB2):c.3350+4A>G

Gene: PALB2. ClinVar aggregate classification (germline): Likely pathogenic. Likely pathogenic (1).

Submissions 8 to 19 of 19:

Ambry Genetics
Classification: Pathogenic for Hereditary cancer-predisposing syndrome. Last evaluated: 2023-11-30. Review status: criteria provided, single submitter. Criteria: Ambry Variant Classification Scheme 2023. Collection method: clinical testing. Allele origin: germline. Not counted in ClinVar's aggregate classification.
Comment: The c.3350+4A>G intronic pathogenic mutation results from an A to G substitution 4 nucleotides after coding exon 12 in the PALB2 gene. Analysis of the mutant transcripts showed that the variant activates a cryptic donor site causing a translational frameshift with a predicted alternate stop codon (Reid S et al. Nat. Genet. 2007 Feb;39:162-4). Functional studies performed using patient samples indicate that this variant is associated with disrupted spindle assembly checkpoint activity, spontaneous micronucleation and impaired double-strand break repair capacity (Reid S et al. Nat. Genet. 2007 Feb;39:162-4; Rube CE et al. Int J Radiat Oncol Biol Phys. 2010 Oct;78(2):359-69; Nalepa G et al. J Clin Invest. 2013 Sep;123(9):3839-47). This variant has been observed in individuals with breast and pancreatic cancer (Jones S et al. Science. 2009 Apr;324:217; Zidan J et al. Breast Cancer Res. Treat. 2017 Dec;166:881-885; Zhou J et al. Cancer 2020 Jul;126(14):3202-3208). RNA studies have demonstrated that this alteration results in abnormal splicing in the set of samples tested (Ambry internal data). This variant is considered to be rare based on population cohorts in the Genome Aggregation Database (gnomAD). Based on the available evidence, this alteration is classified as a disease-causing mutation.

Department of Pathology and Laboratory Medicine, Sinai Health System
Classification: Pathogenic for PALB2-related cancer predisposition. Last evaluated: 2023-10-12. Review status: criteria provided, single submitter. Criteria: ACMG Guidelines, 2015. Collection method: clinical testing. Allele origin: germline. Affected: no. Not counted in ClinVar's aggregate classification.

KCCC/NGS Laboratory, Kuwait Cancer Control Center
Classification: Pathogenic for Breast-ovarian cancer, familial, susceptibility to, 5. Last evaluated: 2023-07-07. Review status: criteria provided, single submitter. Criteria: ACMG Guidelines, 2015. Collection method: clinical testing. Allele origin: unknown. Affected: yes. Not counted in ClinVar's aggregate classification.
Comment: This sequence change falls in intron 12 of the PALB2 gene. It does not directly change the encoded amino acid sequence of the PALB2 protein. RNA analysis indicates that this variant induces altered splicing and likely disrupts the C‐terminus of the protein. This variant not observed at a significant frequency in large population cohorts (gnomAD) nor in our local database . This variant has been reported as in heterozygous state in individuals affected with breast/ovarian cancer (PMID: 26976419, 28828701, 30128536), pancreatic cancer (PMID: 19264984), and compound heterozygous with Fanconi anemia/medulloblastoma (PMID: 17200671, 20153123). This variant is also known as IVS12+4A>G. ClinVar contains an entry for this variant (Variation ID: 126737) bymany clinical diagnostic laboratories which submitted clinical‐significance assessments for this variant to ClinVar after 2014, and all laboratories classified the variant as pathogenic/likely pathogenic. For these reasons, this variant has been classified as Pathogenic.

PreventionGenetics, part of Exact Sciences
Classification: Pathogenic for PALB2-related condition. Last evaluated: 2023-05-22. Review status: criteria provided, single submitter. Criteria: ACMG Guidelines, 2015. Collection method: clinical testing. Allele origin: germline. Not counted in ClinVar's aggregate classification.
Comment: The PALB2 c.3350+4A>G variant is predicted to interfere with splicing. This variant has been documented in the compound heterozygous state in an individual with Fanconi anemia and medulloblastoma (Patient LNEY in Reid et al. 2007. PubMed ID: 17200671). This variant has also been detected in patients from several large cancer studies including pancreatic cancer (Table e3 in Hu et al. 2018. PubMed ID: 29922827) and breast and/or ovarian cancer (Table S2 in Zhou et al. 2020. PubMed ID: 32339256; eTable 2 in George et al. 2021. PubMed ID: 33646313; eTable 12 in Lu et al. 2019. PubMed ID: 30128536). A functional assay showed that this variant disrupted splicing by introducing a cryptic donor site four nucleotides downstream of exon 12 (Valenzuela-Palomo et al. 2021. PubMed ID: 34846068). This variant is reported in 0.00088% of alleles in individuals of European (Non-Finnish) descent in gnomAD and is interpreted as likely pathogenic by an expert curation panel in ClinVar. This variant is interpreted as pathogenic.

Myriad Genetics, Inc.
Classification: Likely pathogenic for Familial cancer of breast. Last evaluated: 2023-03-31. Review status: criteria provided, single submitter. Criteria: Myriad Autosomal Dominant, Autosomal Recessive and X-Linked Classification Criteria (2023). Collection method: clinical testing. Allele origin: unknown. Not counted in ClinVar's aggregate classification.
Comment: This variant is considered likely pathogenic. This variant has been reported in multiple individuals with clinical features of gene-specific disease [PMID: 17200671]. mRNA analysis has demonstrated abnormal mRNA splicing occurs [Myriad Internal Data].

GeneDx
Classification: Pathogenic. Last evaluated: 2023-03-30. Review status: criteria provided, single submitter. Criteria: GeneDx Variant Classification Process June 2021. Collection method: clinical testing. Allele origin: germline. Affected: yes. Not counted in ClinVar's aggregate classification.
Comment: Non-canonical splice site variant predicted to result in a null allele in a gene for which loss-of-function is a known mechanism of disease; Published functional studies demonstrate a damaging effect: absence of PALB2 protein in fibroblasts, impaired double strand break repair, disrupted spindle assembly checkpoint activity (Reid et al., 2007; Rube et al., 2010; Nalepa et al., 2013); Observed in individuals with personal and/or family history of PALB2-related cancers (Tung et al., 2016; Zidan et al., 2017; Hu et al., 2018; Zhou et al., 2020; Zanti et al., 2020; George et al., 2021); Not observed at a significant frequency in large population cohorts (gnomAD); This variant is associated with the following publications: (PMID: 21165770, 33120919, 20153123, 24870022, 25525159, 26976419, 28828701, 19264984, 29753700, 23934222, 17200671, 33646313, 32339256, 29922827, 34846068)

Color Diagnostics, LLC DBA Color Health
Classification: Pathogenic for Hereditary cancer-predisposing syndrome. Last evaluated: 2022-11-01. Review status: criteria provided, single submitter. Criteria: ACMG Guidelines, 2015. Collection method: clinical testing. Allele origin: germline. Not counted in ClinVar's aggregate classification.
Comment: This variant causes an A to G nucleotide substitution at the +4 position of intron 12 of the PALB2 gene. Splice site prediction tools predict that this variant may have a significant impact on RNA splicing. A minigene splicing assay has shown that this variant results in two out-of-frame splicing products (PMID: 34846068), and a Fanconi anemia patient-derived cell line containing this variant and a frameshift PALB2 co-variant has been shown to have no detectable PALB2 full-length protein and to exhibit defects in cellular DNA response (PMID: 17200671, 20153123). This variant has been reported in at least six individuals affected with breast cancer (PMID: 26976419, 28828701, 32339256, 33120919, 33910496), two individuals affected with breast and/or ovarian cancer (PMID: 30128536), two individuals affected with pancreatic cancer (PMID: 29922827) and an individual affected with medulloblastoma (PMID: 29753700). This variant also has been reported with a pathogenic PALB2 covariant in an individual affected with Fanconi anemia (PMID: 17200671) and a homozygous carrier suspected of Fanconi anemia (PMID: 32947577). This variant has been identified in 1/251418 chromosomes in the general population by the Genome Aggregation Database (gnomAD). Loss of PALB2 function is a known mechanism of disease. Based on the available evidence, this variant is classified as Pathogenic.

Mendelics
Classification: Pathogenic for Familial cancer of breast. Last evaluated: 2022-05-04. Review status: criteria provided, single submitter. Criteria: Mendelics Assertion Criteria 2019. Collection method: clinical testing. Allele origin: germline. Not counted in ClinVar's aggregate classification.

Women's Health and Genetics/Laboratory Corporation of America, LabCorp
Classification: Pathogenic. Last evaluated: 2022-01-26. Review status: criteria provided, single submitter. Criteria: LabCorp Variant Classification Summary - May 2015. Collection method: clinical testing. Allele origin: germline. Not counted in ClinVar's aggregate classification.
Comment: Variant summary: PALB2 c.3350+4A>G alters a conserved nucleotide located close to a canonical splice site and therefore could affect mRNA splicing, leading to a significantly altered protein sequence. Several computational tools predict a significant impact on normal splicing: Three predict the variant creates a 5' donor site. However, these predictions have yet to be confirmed by functional studies. The variant allele was found at a frequency of 4e-06 in 251418 control chromosomes (gnomAD). The variant, c.3350+4A>G, has been reported in the literature in compound heterozygous state (with a frame-shift variant in trans) in a child who was affected with Fanconi Anemia Type N, and developed medulloblastoma in early childhood (Reid_2007, Rube_2010). Publications examining fibroblasts derived from this patient reported no detectable PALB2 protein, impaired double-strand break repair capacity, and defective spindle assembly checkpoint leading to aneuploidy (Reid_2007, Rube_2010, Nalepa_2013). The variant was also reported in heterozygous state in multiple patients, affected with breast- and pancreatic cancer (e.g. Tung_2016, Zidan_2017, Hu_2018, Lu_2018, Zanti_2020). These data indicate that the variant is very likely to be associated with disease. Five clinical diagnostic laboratories have submitted clinical-significance assessments for this variant to ClinVar after 2014, and all laboratories classified the variant as pathogenic/likely pathogenic. Based on the evidence outlined above, the variant was classified as pathogenic.

Baylor Genetics
Classification: Likely pathogenic for Familial cancer of breast. Last evaluated: 2021-07-11. Review status: criteria provided, single submitter. Criteria: ACMG Guidelines, 2015. Collection method: clinical testing. Allele origin: unknown. Not counted in ClinVar's aggregate classification.

Sema4
Classification: Likely pathogenic for Hereditary cancer-predisposing syndrome. Last evaluated: 2021-06-19. Review status: criteria provided, single submitter. Criteria: Sema4 Curation Guidelines. Collection method: curation. Allele origin: germline. Not counted in ClinVar's aggregate classification.
Comment: The PALB2 c.3350+4A>G variant has been reported in heterozygosity in at least four individuals with breast cancer (PMID: 26976419, 32339256, 28828701, 33120919), and in one individual with medulloblastoma (PMID: 29753700). It has also been reported in the compound heterozygous state in an individual with Fanconi anemia (PMID: 17200671). Functional studies conducted in fibroblasts from this patient have shown that this variant leads to an absense of PALB2 protein and impaired spindle assembly checkpoint activity (PMID: 17200671, 23934222), and whole blood exhibited a decreased ability to repair double-strand breaks (PMID: 20153123). It is also known as IVS12+4A>G in the literature. This variant was observed in 1/113694 chromosomes in the Non-Finnish European population according to the Genome Aggregation Database (PMID: 32461654). This variant has been reported in ClinVar (Variation ID: 126737). Based on the current evidence available, this variant is interpreted as likely pathogenic.

Counsyl
Classification: Likely pathogenic for Familial cancer of breast. Last evaluated: 2017-04-25. Review status: no assertion criteria provided. Collection method: clinical testing. Allele origin: unknown. Not counted in ClinVar's aggregate classification.

Literature cited by the submitters: PubMed 17200671 (cited by 10 submitters); PubMed 26976419 (cited by 7 submitters); PubMed 28828701 (cited by 7 submitters); PubMed 29753700 (cited by 4 submitters); PubMed 32339256 (cited by 5 submitters); PubMed 23934222 (cited by 5 submitters); PubMed 17576681 (cited by Labcorp Genetics (formerly Invitae), Labcorp); PubMed 9536098 (cited by Labcorp Genetics (formerly Invitae), Labcorp); PubMed 34846068 (cited by 3 submitters); PubMed 33120919 (cited by 4 submitters); PubMed 29922827 (cited by 3 submitters); PubMed 30128536 (cited by 4 submitters); PubMed 32947577 (cited by Quest Diagnostics Nichols Institute San Juan Capistrano and Color Diagnostics, LLC DBA Color Health); PubMed 33910496 (cited by 3 submitters); PubMed 35171259 (cited by Quest Diagnostics Nichols Institute San Juan Capistrano); PubMed 20153123 (cited by 6 submitters); PubMed 37444530 (cited by Quest Diagnostics Nichols Institute San Juan Capistrano); PubMed 38890714 (cited by Quest Diagnostics Nichols Institute San Juan Capistrano); PubMed 38874686 (cited by Quest Diagnostics Nichols Institute San Juan Capistrano); PubMed 35610400 (cited by Quest Diagnostics Nichols Institute San Juan Capistrano); PubMed 19264984 (cited by 3 submitters); PubMed 25525159 (cited by Counsyl).